The following is an entry in ClinVar:

NM_001004334.4(GPR179):c.4699_4700del (p.Ser1567fs)

Gene: GPR179 (G protein-coupled receptor 179; minus strand). Cytogenetic location: 17q12.
Variant type: Deletion.
Coding change: c.4699_4700del on transcript NM_001004334.4 (MANE Select); coding-DNA positions 4699 to 4700, 2 bases deleted (AG; older notation c.4699_4700delAG).
Protein change: p.Ser1567fs; shifts the reading frame from serine 1567.
Molecular consequence: frameshift variant.
Genome position (GRCh38, 1-based): chr17:38,328,869-38,328,870, CT deleted on the plus strand (AG on the coding strand, the reverse complement: GPR179 is on the minus strand). VCF-style (leftmost placement, unchanged base first): chr17-38328868-GCT-G. GRCh37 (hg19) VCF-style: chr17-36484751-GCT-G.
Other names: short protein forms S1567fs.
Identifiers: ClinVar variation 866143 (VCV000866143.6), dbSNP rs369324783, ClinGen allele CA290103973.

ClinVar aggregate classification (germline): Uncertain significance. Review status: criteria provided, multiple submitters, no conflicts (2 of 4 stars). 2 submissions from 2 submitters: Uncertain significance (2). Last evaluated 2022-09-07.

Allele frequency attached by ClinVar (database versions not stated): gnomAD exomes 0.00003 and 0.00005; ExAC 0.00004; ESP Exome Variant Server 0.00008; gnomAD 0.00021 and 0.00022; TOPMed 0.00025.

Submissions (2):

Labcorp Genetics (formerly Invitae), Labcorp
Classification: Uncertain significance. Last evaluated: 2022-09-07. Review status: criteria provided, single submitter. Criteria: Invitae Variant Classification Sherloc (09022015). Collection method: clinical testing. Allele origin: germline.
Comment: This sequence change creates a premature translational stop signal (p.Ser1567Glnfs*32) in the GPR179 gene. While this is not anticipated to result in nonsense mediated decay, it is expected to disrupt the last 801 amino acid(s) of the GPR179 protein. This variant is present in population databases (rs369324783, gnomAD 0.07%). This variant has not been reported in the literature in individuals affected with GPR179-related conditions. ClinVar contains an entry for this variant (Variation ID: 866143). Experimental studies and prediction algorithms are not available or were not evaluated, and the functional significance of this variant is currently unknown. In summary, the available evidence is currently insufficient to determine the role of this variant in disease. Therefore, it has been classified as a Variant of Uncertain Significance.

Blueprint Genetics
Classification: Uncertain significance. Last evaluated: 2022-06-23. Review status: criteria provided, single submitter. Criteria: ACMG Guidelines, 2015. Collection method: clinical testing. Allele origin: germline.